The following is an entry in ClinVar:

NM_016122.3(CEP83):c.388A>G (p.Met130Val)

Gene: CEP83 (centrosomal protein 83; minus strand). Cytogenetic location: 12q22.
Variant type: single nucleotide variant.
Coding change: c.388A>G on transcript NM_016122.3 (MANE Select); coding-DNA position 388, A replaced by G.
Protein change: p.Met130Val; replaces methionine 130 with valine.
Molecular consequence: missense variant. On other transcripts: non-coding transcript variant (3), intron variant (2).
Genome position (GRCh38, 1-based): chr12:94,403,199, T>C on the plus strand (A>G on the coding strand, the complement: CEP83 is on the minus strand). VCF-style: chr12-94403199-T-C. GRCh37 (hg19) VCF-style: chr12-94796975-T-C.
Other names: c.388A>G, p.Met130Val (NM_001042399.2, NM_001346457.2, NM_001346460.2 and 3 more transcripts); c.76A>G, p.Met26Val (NM_001346458.2, NM_001346459.2, NM_001346462.2 and 2 more transcripts); c.324+8498A>G (NM_001368041.1); c.12+8498A>G (NM_001368042.1); short protein forms M130V, M26V.
Identifiers: ClinVar variation 1026854 (VCV001026854.6), dbSNP rs756155321, ClinGen allele CA6721965.

ClinVar aggregate classification (germline): Uncertain significance (1 of 4 stars; one submission).

Conditions:
Nephronophthisis 18 (NPHP18). Identifiers: Orphanet 655, MedGen C3890591, MONDO:0014374, OMIM 615862.

Allele frequency attached by ClinVar (database versions not stated): TOPMed below 0.00001; ExAC 0.00001; gnomAD 0.00001; gnomAD exomes 0.00001 and 0.00002.

Submission:

Labcorp Genetics (formerly Invitae), Labcorp
Classification: Uncertain significance for Nephronophthisis 18. Last evaluated: 2023-06-28. Review status: criteria provided, single submitter. Criteria: Invitae Variant Classification Sherloc (09022015). Collection method: clinical testing. Allele origin: germline.
Comment: This variant is present in population databases (rs756155321, gnomAD 0.007%). This sequence change replaces methionine, which is neutral and non-polar, with valine, which is neutral and non-polar, at codon 130 of the CEP83 protein (p.Met130Val). This variant has not been reported in the literature in individuals affected with CEP83-related conditions. In summary, the available evidence is currently insufficient to determine the role of this variant in disease. Therefore, it has been classified as a Variant of Uncertain Significance. Advanced modeling of protein sequence and biophysical properties (such as structural, functional, and spatial information, amino acid conservation, physicochemical variation, residue mobility, and thermodynamic stability) performed at Invitae indicates that this missense variant is not expected to disrupt CEP83 protein function. ClinVar contains an entry for this variant (Variation ID: 1026854).